The following is an entry in ClinVar:

NM_018896.5(CACNA1G):c.5305G>A (p.Glu1769Lys)

Gene: CACNA1G (calcium voltage-gated channel subunit alpha1 G; plus strand). Cytogenetic location: 17q21.33.
Variant type: single nucleotide variant.
Coding change: c.5305G>A on transcript NM_018896.5 (MANE Select); coding-DNA position 5305, G replaced by A.
Protein change: p.Glu1769Lys; replaces glutamic acid 1769 with lysine.
Molecular consequence: missense variant. On other transcripts: non-coding transcript variant (5).
Genome position (GRCh38, 1-based): chr17:50,618,126, G>A. VCF-style: chr17-50618126-G-A. GRCh37 (hg19) VCF-style: chr17-48695487-G-A.
Other names: c.5236G>A, p.Glu1746Lys (NM_198382.3, NM_198383.3); c.5305G>A, p.Glu1769Lys (NM_198384.3, NM_198385.3, NM_001256333.2); c.5251G>A, p.Glu1751Lys (NM_198386.3, NM_001256324.2); c.5203G>A, p.Glu1735Lys (NM_198387.3, NM_198396.3, NM_001256329.2 and 2 more transcripts); c.5182G>A, p.Glu1728Lys (NM_198388.3); c.5326G>A, p.Glu1776Lys (NM_001256325.2); c.5170G>A, p.Glu1724Lys (NM_001256326.2, NM_001256330.2); c.5284G>A, p.Glu1762Lys (NM_001256327.2); and 7 more; short protein forms E1731K, E1744K, E1746K, E1712K, E1728K, E1742K, E1758K, E1717K.
Identifiers: ClinVar variation 3662698 (VCV003662698.2).
Genomic context (GRCh38, chr17:50,618,126, plus strand): 5'-CTCTTCATGTTGTTGTTTTTCATCTTTGCAGCTCTGGGCGTGGAGCTCTTTGGAGACCTG[G>A]GTGAGTTGGGGTAGGGGAGGGTGGAGGAGCCAGGGCTGGAGACCAGGGGGCTCCTGGACT-3'
Protein context (NP_061496.2, residues 1759-1779): ALGVELFGDL[Glu1769Lys]CDETHPCEGL

ClinVar aggregate classification (germline): Uncertain significance (1 of 4 stars; one submission).

Submission:

Labcorp Genetics (formerly Invitae), Labcorp
Classification: Uncertain significance. Last evaluated: 2024-08-17. Review status: criteria provided, single submitter. Criteria: Invitae Variant Classification Sherloc (09022015). Collection method: clinical testing. Allele origin: germline.
Comment: This sequence change replaces glutamic acid, which is acidic and polar, with lysine, which is basic and polar, at codon 1769 of the CACNA1G protein (p.Glu1769Lys). This variant also falls at the last nucleotide of exon 31, which is part of the consensus splice site for this exon. This variant is not present in population databases (gnomAD no frequency). This variant has not been reported in the literature in individuals affected with CACNA1G-related conditions. An algorithm developed to predict the effect of missense changes on protein structure and function (PolyPhen-2) suggests that this variant is likely to be tolerated. Variants that disrupt the consensus splice site are a relatively common cause of aberrant splicing (PMID: 17576681, 9536098). In summary, the available evidence is currently insufficient to determine the role of this variant in disease. Therefore, it has been classified as a Variant of Uncertain Significance.

Literature cited by the submitters: PubMed 17576681; PubMed 9536098.